The following is an entry in ClinVar:

NM_024675.4(PALB2):c.150A>T (p.Lys50Asn)

Gene: PALB2 (partner and localizer of BRCA2; minus strand). Cytogenetic location: 16p12.2.
Variant type: single nucleotide variant.
Coding change: c.150A>T on transcript NM_024675.4 (MANE Select); coding-DNA position 150, A replaced by T.
Protein change: p.Lys50Asn; replaces lysine 50 with asparagine.
Molecular consequence: missense variant.
Genome position (GRCh38, 1-based): chr16:23,637,911, T>A on the plus strand (A>T on the coding strand, the complement: PALB2 is on the minus strand). VCF-style: chr16-23637911-T-A. GRCh37 (hg19) VCF-style: chr16-23649232-T-A.
Other names: short protein forms K50N.
Identifiers: ClinVar variation 1007419 (VCV001007419.9), dbSNP rs1967102886, ClinGen allele CA395139245.

ClinVar aggregate classification (germline): Uncertain significance (1 of 4 stars; one submission).

Conditions:
Familial cancer of breast. Also called: BREAST CANCER, FAMILIAL; Hereditary breast cancer; hereditary breast carcinoma. Identifiers: Orphanet 227535, MedGen C0346153, MONDO:0016419, OMIM 114480. Disease mechanism: loss of function.

Submission:

Labcorp Genetics (formerly Invitae), Labcorp
Classification: Uncertain significance for Familial cancer of breast. Last evaluated: 2021-01-31. Review status: criteria provided, single submitter. Criteria: Invitae Variant Classification Sherloc (09022015). Collection method: clinical testing. Allele origin: germline.
Comment: Algorithms developed to predict the effect of missense changes on protein structure and function are either unavailable or do not agree on the potential impact of this missense change (SIFT: "Deleterious"; PolyPhen-2: "Probably Damaging"; Align-GVGD: "Class C0"). In summary, the available evidence is currently insufficient to determine the role of this variant in disease. Therefore, it has been classified as a Variant of Uncertain Significance. This variant has not been reported in the literature in individuals with PALB2-related conditions. This variant is not present in population databases (ExAC no frequency). This sequence change replaces lysine with asparagine at codon 50 of the PALB2 protein (p.Lys50Asn). The lysine residue is moderately conserved and there is a moderate physicochemical difference between lysine and asparagine.